The following is an entry in ClinVar:

ClinVar aggregate classification (germline): Conflicting classifications of pathogenicity. Review status: criteria provided, conflicting classifications (1 of 4 stars). 2 submissions from 2 submitters: Uncertain significance (1); Likely benign (1). Last evaluated 2026-07-14.

Conditions:
ADGRV1-related disorder. Also called: ADGRV1-related condition; ADGRV1-related disorders.

gnomAD v4.1: 16 of 1,613,660 alleles (0.00099%); highest among the groups gnomAD compares: South Asian, 0.0033%; no homozygotes.

Submissions (2):

PreventionGenetics, part of Exact Sciences
Classification: Uncertain significance for ADGRV1-related condition. Last evaluated: 2026-07-14. Review status: criteria provided, single submitter. Criteria: ACMG Guidelines, 2015. Collection method: clinical testing. Allele origin: germline.
Comment: The ADGRV1 c.10606C>T variant is predicted to result in the amino acid substitution p.Arg3536Cys. To our knowledge, this variant has not been reported in the literature. This variant is reported in 0.0033% of alleles in individuals of South Asian descent in gnomAD. At this time, the clinical significance of this variant is uncertain due to the absence of conclusive functional and genetic evidence.

Labcorp Genetics (formerly Invitae), Labcorp
Classification: Likely benign. Last evaluated: 2025-02-11. Review status: criteria provided, single submitter. Criteria: Invitae Variant Classification Sherloc (09022015). Collection method: clinical testing. Allele origin: germline.

NM_032119.4(ADGRV1):c.10606C>T (p.Arg3536Cys)

Gene: ADGRV1 (adhesion G protein-coupled receptor V1; plus strand). Cytogenetic location: 5q14.3.
Variant type: single nucleotide variant.
Coding change: c.10606C>T on transcript NM_032119.4 (MANE Select); coding-DNA position 10606, C replaced by T.
Protein change: p.Arg3536Cys; replaces arginine 3536 with cysteine.
Molecular consequence: missense variant. On other transcripts: non-coding transcript variant (1).
Genome position (GRCh38, 1-based): chr5:90,745,102, C>T. VCF-style: chr5-90745102-C-T. GRCh37 (hg19) VCF-style: chr5-90040919-C-T.
Other names: c.10606C>T (NM_032119.3); short protein forms R3536C.
Identifiers: ClinVar variation 2996786 (VCV002996786.4), dbSNP rs747529712, ClinGen allele CA3340795.